The following is an entry in ClinVar:

NM_018063.5(HELLS):c.153+10G>T

Gene: HELLS (helicase, lymphoid specific; plus strand). Cytogenetic location: 10q23.33.
Variant type: single nucleotide variant.
Coding change: c.153+10G>T on transcript NM_018063.5 (MANE Select); 10 bases into the intron after coding-DNA position 153, G replaced by T.
Molecular consequence: intron variant.
Genome position (GRCh38, 1-based): chr10:94,546,508, G>T. VCF-style: chr10-94546508-G-T. GRCh37 (hg19) VCF-style: chr10-96306265-G-T.
Other names: c.-264+10G>T (NM_001289071.2); c.153+10G>T (NM_001289067.2, NM_001289070.2, NM_001289069.2 and 1 more transcripts); c.-869+10G>T (NM_001289075.2); c.-850+10G>T (NM_001289074.2); c.-197+10G>T (NM_001289073.2); c.105+10G>T (NM_001289068.2).
Identifiers: ClinVar variation 779935 (VCV000779935.13), dbSNP rs187469615, ClinGen allele CA5615164.

ClinVar aggregate classification (germline): Benign/Likely benign. Review status: criteria provided, multiple submitters, no conflicts (2 of 4 stars). 4 submissions from 4 submitters: Benign (3); Likely benign (1). Last evaluated 2026-05-22.

Conditions:
HELLS-related disorder. Also called: HELLS-related condition.
Immunodeficiency-centromeric instability-facial anomalies syndrome 4 (ICF4). Identifiers: Orphanet 2268, MedGen C4310798, MONDO:0014829, OMIM 616911.

Allele frequency attached by ClinVar (database versions not stated): gnomAD exomes 0.00026 and 0.00102; gnomAD 0.00038 and 0.00047; TOPMed 0.00054; ExAC 0.00100; 1000 Genomes Project 0.00180; 1000 Genomes Project 30x 0.00219.
gnomAD v4.1: 483 of 1,613,880 alleles (0.03%); highest among the groups gnomAD compares: East Asian, 0.93%; 2 homozygotes.

Submissions (4):

PreventionGenetics, part of Exact Sciences
Classification: Benign for HELLS-related condition. Last evaluated: 2026-05-22. Review status: criteria provided, single submitter. Criteria: ACMG Guidelines, 2015. Collection method: clinical testing. Allele origin: germline.
Comment: This variant is classified as benign based on ACMG/AMP sequence variant interpretation guidelines (Richards et al. 2015 PMID: 25741868, with internal and published modifications).

Labcorp Genetics (formerly Invitae), Labcorp
Classification: Benign. Last evaluated: 2026-02-02. Review status: criteria provided, single submitter. Criteria: Invitae Variant Classification Sherloc (09022015). Collection method: clinical testing. Allele origin: germline.

Blueprint Genetics
Classification: Likely benign. Last evaluated: 2024-11-13. Review status: criteria provided, single submitter. Criteria: ACMG Guidelines, 2015. Collection method: clinical testing. Allele origin: germline.

ARUP Laboratories, Molecular Genetics and Genomics, ARUP Laboratories
Classification: Benign for Immunodeficiency-centromeric instability-facial anomalies syndrome 4. Last evaluated: 2023-09-28. Review status: criteria provided, single submitter. Criteria: ARUP Molecular Germline Variant Investigation Process 2024. Collection method: clinical testing. Allele origin: germline.